The following is an entry in ClinVar:

ClinVar aggregate classification (germline): Uncertain significance. Review status: criteria provided, multiple submitters, no conflicts (2 of 4 stars). 2 submissions from 2 submitters: Uncertain significance (2). Last evaluated 2024-11-13.

Allele frequency attached by ClinVar (database versions not stated): gnomAD 0.00001; gnomAD exomes 0.00002; TOPMed 0.00009.
gnomAD v4.1: 7 of 1,487,902 alleles (0.00047%); highest among the groups gnomAD compares: Admixed American, 0.012%; no homozygotes.

Submissions (2):

GeneDx
Classification: Uncertain significance. Last evaluated: 2024-11-13. Review status: criteria provided, single submitter. Criteria: GeneDx Variant Classification Process June 2021. Collection method: clinical testing. Allele origin: germline. Affected: yes.
Comment: In silico analysis supports that this missense variant has a deleterious effect on protein structure/function; Has not been previously published as pathogenic or benign to our knowledge

Labcorp Genetics (formerly Invitae), Labcorp
Classification: Uncertain significance. Last evaluated: 2022-09-27. Review status: criteria provided, single submitter. Criteria: Invitae Variant Classification Sherloc (09022015). Collection method: clinical testing. Allele origin: germline.
Comment: This variant has not been reported in the literature in individuals affected with PDZD7-related conditions. The frequency data for this variant in the population databases is considered unreliable, as metrics indicate poor data quality at this position in the gnomAD database. This sequence change replaces arginine, which is basic and polar, with histidine, which is basic and polar, at codon 777 of the PDZD7 protein (p.Arg777His). ClinVar contains an entry for this variant (Variation ID: 959813). In summary, the available evidence is currently insufficient to determine the role of this variant in disease. Therefore, it has been classified as a Variant of Uncertain Significance. Algorithms developed to predict the effect of missense changes on protein structure and function output the following: SIFT: "Deleterious"; PolyPhen-2: "Not Available"; Align-GVGD: "Class C0". The histidine amino acid residue is found in multiple mammalian species, which suggests that this missense change does not adversely affect protein function.

NM_001195263.2(PDZD7):c.2330G>A (p.Arg777His)

Gene: PDZD7 (PDZ domain containing 7; minus strand). Cytogenetic location: 10q24.31.
Variant type: single nucleotide variant.
Coding change: c.2330G>A on transcript NM_001195263.2 (MANE Select); coding-DNA position 2330, G replaced by A.
Protein change: p.Arg777His; replaces arginine 777 with histidine.
Molecular consequence: missense variant.
Genome position (GRCh38, 1-based): chr10:101,010,559, C>T on the plus strand (G>A on the coding strand, the complement: PDZD7 is on the minus strand). VCF-style: chr10-101010559-C-T. GRCh37 (hg19) VCF-style: chr10-102770316-C-T.
Other names: short protein forms R777H.
Identifiers: ClinVar variation 959813 (VCV000959813.10), dbSNP rs939062446, ClinGen allele CA212978690.